The following is an entry in ClinVar:

ClinVar aggregate classification (germline): Uncertain significance. Review status: criteria provided, multiple submitters, no conflicts (2 of 4 stars). 2 submissions from 2 submitters: Uncertain significance (2). Last evaluated 2025-06-10.

Conditions:
Hereditary cancer-predisposing syndrome. Also called: Tumor predisposition; Hereditary neoplastic syndrome; Neoplastic Syndromes, Hereditary; Hereditary Cancer Syndrome. Identifiers: Orphanet 140162, MedGen C0027672, MeSH D009386, MONDO:0015356.

Submissions (2):

Labcorp Genetics (formerly Invitae), Labcorp
Classification: Uncertain significance. Last evaluated: 2025-06-10. Review status: criteria provided, single submitter. Criteria: Invitae Variant Classification Sherloc (09022015). Collection method: clinical testing. Allele origin: germline.
Comment: This sequence change replaces isoleucine, which is neutral and non-polar, with methionine, which is neutral and non-polar, at codon 195 of the SMARCB1 protein (p.Ile195Met). This variant is not present in population databases (gnomAD no frequency). This variant has not been reported in the literature in individuals affected with SMARCB1-related conditions. ClinVar contains an entry for this variant (Variation ID: 1429463). Invitae Evidence Modeling of protein sequence and biophysical properties (such as structural, functional, and spatial information, amino acid conservation, physicochemical variation, residue mobility, and thermodynamic stability) has been performed for this missense variant. However, the output from this modeling did not meet the statistical confidence thresholds required to predict the impact of this variant on SMARCB1 protein function. In summary, the available evidence is currently insufficient to determine the role of this variant in disease. Therefore, it has been classified as a Variant of Uncertain Significance.

Ambry Genetics
Classification: Uncertain significance for Hereditary cancer-predisposing syndrome. Last evaluated: 2025-03-08. Review status: criteria provided, single submitter. Criteria: Ambry Variant Classification Scheme 2023. Collection method: clinical testing. Allele origin: germline.
Comment: The p.I195M variant (also known as c.585C>G), located in coding exon 5 of the SMARCB1 gene, results from a C to G substitution at nucleotide position 585. The isoleucine at codon 195 is replaced by methionine, an amino acid with highly similar properties. This amino acid position is conserved. In addition, the in silico prediction for this alteration is inconclusive. Based on the available evidence, the clinical significance of this variant remains unclear.

NM_003073.5(SMARCB1):c.585C>G (p.Ile195Met)

Gene: SMARCB1 (SWI/SNF related BAF chromatin remodeling complex subunit B1; plus strand). Cytogenetic location: 22q11.23.
Variant type: single nucleotide variant.
Coding change: c.585C>G on transcript NM_003073.5 (MANE Select); coding-DNA position 585, C replaced by G.
Protein change: p.Ile195Met; replaces isoleucine 195 with methionine.
Molecular consequence: missense variant.
Genome position (GRCh38, 1-based): chr22:23,803,379, C>G. VCF-style: chr22-23803379-C-G. GRCh37 (hg19) VCF-style: chr22-24145566-C-G.
Other names: c.585C>G (NM_003073.3); c.558C>G, p.Ile186Met (NM_001007468.3); c.612C>G, p.Ile204Met (NM_001317946.2); c.639C>G, p.Ile213Met (NM_001362877.2); short protein forms I186M, I195M, I204M, I213M.
Identifiers: ClinVar variation 1429463 (VCV001429463.9), dbSNP rs757546528, ClinGen allele CA410935883.
Genomic context (GRCh38, chr22:23,803,379, plus strand): 5'-GATCCATGAGAACGCATCTCAGCCCGAGGTGCTGGTCCCCATCCGGCTGGACATGGAGAT[C>G]GATGGGCAGAAGCTGCGAGACGCCTTCACCTGGAACATGAATGGTACAAGGCAGTCGGGC-3'
Protein context (NP_003064.2, residues 185-205): VLVPIRLDME[Ile195Met]DGQKLRDAFT